The following is an entry in ClinVar:

NM_001367624.2(ZNF469):c.5150C>T (p.Pro1717Leu)

Gene: ZNF469 (zinc finger protein 469; plus strand). Cytogenetic location: 16q24.2.
Variant type: single nucleotide variant.
Coding change: c.5150C>T on transcript NM_001367624.2 (MANE Select); coding-DNA position 5150, C replaced by T.
Protein change: p.Pro1717Leu; replaces proline 1717 with leucine.
Molecular consequence: missense variant.
Genome position (GRCh38, 1-based): chr16:88,432,620, C>T. VCF-style: chr16-88432620-C-T. GRCh37 (hg19) VCF-style: chr16-88499028-C-T.
Other names: NM_001127464.1:c.5066C>T; short protein forms P1717L.
Identifiers: ClinVar variation 1745127 (VCV001745127.3), dbSNP rs544832628, ClinGen allele CA8225048.
Genomic context (GRCh38, chr16:88,432,620, plus strand): 5'-TGCAGAAAGCCGGAGCCTCCAAGACTGGACTTTGCCAGGCAGAAGGAGACAGCAGGCCCC[C>T]CCAAGATGTCTGCCTGCCTGAGCCCAGCAAGCAGCCTGGCCCACAGCTGGATGCCGGGAG-3'
Protein context (NP_001354553.1, residues 1707-1727): LCQAEGDSRP[Pro1717Leu]QDVCLPEPSK

ClinVar aggregate classification (germline): Uncertain significance. Review status: criteria provided, multiple submitters, no conflicts (2 of 4 stars). 2 submissions from 2 submitters: Uncertain significance (2). Last evaluated 2024-09-24.

Conditions:
Cardiovascular phenotype. Identifiers: MedGen CN230736.

Allele frequency attached by ClinVar (database versions not stated): ExAC 0.00010; 1000 Genomes Project 30x 0.00031; 1000 Genomes Project 0.00040.
gnomAD v4.1: 13 of 1,550,440 alleles (0.00084%); highest among the groups gnomAD compares: South Asian, 0.014%; no homozygotes.

Submissions (2):

Blueprint Genetics
Classification: Uncertain significance. Last evaluated: 2024-09-24. Review status: criteria provided, single submitter. Criteria: ACMG Guidelines, 2015. Collection method: clinical testing. Allele origin: germline.

Ambry Genetics
Classification: Uncertain significance for Cardiovascular phenotype. Last evaluated: 2021-05-22. Review status: criteria provided, single submitter. Criteria: Ambry Variant Classification Scheme 2023. Collection method: clinical testing. Allele origin: germline.
Comment: The p.P1689L variant (also known as c.5066C>T), located in coding exon 2 of the ZNF469 gene, results from a C to T substitution at nucleotide position 5066. The proline at codon 1689 is replaced by leucine, an amino acid with similar properties. This amino acid position is poorly conserved in available vertebrate species. In addition, this alteration is predicted to be tolerated by in silico analysis. Since supporting evidence is limited at this time, the clinical significance of this alteration remains unclear.